The following is an entry in ClinVar:

ClinVar aggregate classification (germline): Uncertain significance. Review status: criteria provided, multiple submitters, no conflicts (2 of 4 stars). 2 submissions from 2 submitters: Uncertain significance (2). Last evaluated 2025-08-15.

Conditions:
Inborn genetic diseases. Identifiers: MedGen C0950123, MeSH D030342.
Peroxisome biogenesis disorder. Identifiers: Orphanet 79189, MedGen C1832200, MONDO:0019234. Disease mechanism: loss of function.

Allele frequency attached by ClinVar (database versions not stated): gnomAD exomes below 0.00001; TOPMed 0.00001; gnomAD 0.00003.
gnomAD v4.1: 5 of 1,614,036 alleles (0.00031%); highest among the groups gnomAD compares: African/African-American, 0.0053%; no homozygotes.

Submissions (2):

Ambry Genetics
Classification: Uncertain significance for Inborn genetic diseases. Last evaluated: 2025-08-15. Review status: criteria provided, single submitter. Criteria: Ambry Variant Classification Scheme 2023. Collection method: clinical testing. Allele origin: germline.

Labcorp Genetics (formerly Invitae), Labcorp
Classification: Uncertain significance for Peroxisome biogenesis disorder. Last evaluated: 2023-08-04. Review status: criteria provided, single submitter. Criteria: Invitae Variant Classification Sherloc (09022015). Collection method: clinical testing. Allele origin: germline.
Comment: ClinVar contains an entry for this variant (Variation ID: 1431804). This variant has not been reported in the literature in individuals affected with PEX6-related conditions. This variant is not present in population databases (gnomAD no frequency). This sequence change replaces lysine, which is basic and polar, with glutamic acid, which is acidic and polar, at codon 387 of the PEX6 protein (p.Lys387Glu). Advanced modeling of protein sequence and biophysical properties (such as structural, functional, and spatial information, amino acid conservation, physicochemical variation, residue mobility, and thermodynamic stability) performed at Invitae indicates that this missense variant is not expected to disrupt PEX6 protein function. In summary, the available evidence is currently insufficient to determine the role of this variant in disease. Therefore, it has been classified as a Variant of Uncertain Significance.

NM_000287.4(PEX6):c.1159A>G (p.Lys387Glu)

Gene: PEX6 (peroxisomal biogenesis factor 6; minus strand). Cytogenetic location: 6p21.1.
Variant type: single nucleotide variant.
Coding change: c.1159A>G on transcript NM_000287.4 (MANE Select); coding-DNA position 1159, A replaced by G.
Protein change: p.Lys387Glu; replaces lysine 387 with glutamic acid.
Molecular consequence: missense variant. On other transcripts: non-coding transcript variant (1).
Genome position (GRCh38, 1-based): chr6:42,969,959, T>C on the plus strand (A>G on the coding strand, the complement: PEX6 is on the minus strand). VCF-style: chr6-42969959-T-C. GRCh37 (hg19) VCF-style: chr6-42937697-T-C.
Other names: c.1159A>G (NM_000287.3); c.895A>G, p.Lys299Glu (NM_001316313.2); short protein forms K387E, K299E.
Identifiers: ClinVar variation 1431804 (VCV001431804.5), dbSNP rs1286993221, ClinGen allele CA364156219.
Genomic context (GRCh38, chr6:42,969,959, plus strand): 5'-TATGGGTGGTGTCGGCCAAGTAGGCACTGGCTGGTCCATCTGGAGCTTCCCCAACTGTTT[T>C]CTTCACTTTAAAAAACATTTCCCGCCACCTGCAGGAAAAAGGCCCAATGAACCCCAGATC-3'
Protein context (NP_000278.3, residues 377-397): RWREMFFKVK[Lys387Glu]TVGEAPDGPA